The following is an entry in ClinVar:

NM_139027.6(ADAMTS13):c.2253C>T (p.Phe751=)

Gene: ADAMTS13 (ADAM metallopeptidase with thrombospondin type 1 motif 13; plus strand). Cytogenetic location: 9q34.2.
Variant type: single nucleotide variant.
Coding change: c.2253C>T on transcript NM_139027.6 (MANE Select); coding-DNA position 2253, C replaced by T.
Protein change: p.Phe751=; no amino-acid change (phenylalanine 751 retained).
Molecular consequence: synonymous variant.
Genome position (GRCh38, 1-based): chr9:133,443,394, C>T. VCF-style: chr9-133443394-C-T. GRCh37 (hg19) VCF-style: chr9-136308515-C-T.
Other names: c.2253C>T, p.Phe751= (NM_139025.5); c.2160C>T, p.Phe720= (NM_139026.6).
Identifiers: ClinVar variation 2972927 (VCV002972927.5), dbSNP rs888363166, ClinGen allele CA200934685.

ClinVar aggregate classification (germline): Likely benign. Review status: criteria provided, single submitter (1 of 4 stars). 2 submissions from 2 submitters: Likely benign (1). 1 of the submissions does not count toward it. Last evaluated 2025-11-04.

Conditions:
ADAMTS13-related disorder. Also called: ADAMTS13-related condition.

Allele frequency attached by ClinVar (database versions not stated): TOPMed 0.00003; gnomAD 0.00001.
gnomAD v4.1: 26 of 1,597,860 alleles (0.0016%); highest among the groups gnomAD compares: South Asian, 0.0067%; no homozygotes.

Submissions (2):

Labcorp Genetics (formerly Invitae), Labcorp
Classification: Likely benign. Last evaluated: 2025-11-04. Review status: criteria provided, single submitter. Criteria: Invitae Variant Classification Sherloc (09022015). Collection method: clinical testing. Allele origin: germline.

PreventionGenetics, part of Exact Sciences
Classification: Likely benign for ADAMTS13-related condition. Last evaluated: 2020-10-01. Review status: no assertion criteria provided. Collection method: clinical testing. Allele origin: germline. Not counted in ClinVar's aggregate classification.
Comment: This variant is classified as likely benign based on ACMG/AMP sequence variant interpretation guidelines (Richards et al. 2015 PMID: 25741868, with internal and published modifications).